The following is an entry in ClinVar:

ClinVar aggregate classification (germline): Uncertain significance (1 of 4 stars; one submission).

Submission:

Ambry Genetics
Classification: Uncertain significance. Last evaluated: 2023-05-25. Review status: criteria provided, single submitter. Criteria: Ambry Variant Classification Scheme 2023. Collection method: clinical testing. Allele origin: germline.
Comment: The p.N2221K variant (also known as c.6663T>A), located in coding exon 22 of the POLQ gene, results from a T to A substitution at nucleotide position 6663. The asparagine at codon 2221 is replaced by lysine, an amino acid with similar properties. This amino acid position is conserved. In addition, this alteration is predicted to be tolerated by in silico analysis. Since supporting evidence is limited at this time, the clinical significance of this alteration remains unclear.

NM_199420.4(POLQ):c.6663T>A (p.Asn2221Lys)

Gene: POLQ (DNA polymerase theta; minus strand). Cytogenetic location: 3q13.33.
Variant type: single nucleotide variant.
Coding change: c.6663T>A on transcript NM_199420.4 (MANE Select); coding-DNA position 6663, T replaced by A.
Protein change: p.Asn2221Lys; replaces asparagine 2221 with lysine.
Molecular consequence: missense variant.
Genome position (GRCh38, 1-based): chr3:121,472,045, A>T on the plus strand (T>A on the coding strand, the complement: POLQ is on the minus strand). VCF-style: chr3-121472045-A-T. GRCh37 (hg19) VCF-style: chr3-121190892-A-T.
Other names: short protein forms N2221K.
Identifiers: ClinVar variation 2563866 (VCV002563866.2), dbSNP rs1023504455, ClinGen allele CA81827229.